The following is an entry in ClinVar:

ClinVar aggregate classification (germline): Likely pathogenic (1 of 4 stars; one submission).

Conditions:
Menkes kinky-hair syndrome (MNK). Also called: Copper transport disease; Classic Menkes Disease; Menkes Disease. Identifiers: Orphanet 565, MedGen C0022716, MONDO:0010651, OMIM 309400.

Submission:

Myriad Genetics, Inc.
Classification: Likely pathogenic for Menkes kinky-hair syndrome. Last evaluated: 2022-03-30. Review status: criteria provided, single submitter. Criteria: Myriad Autosomal Dominant, Autosomal Recessive and X-Linked Classification Criteria (2023). Collection method: clinical testing. Allele origin: unknown.
Comment: NM_000052.5(ATP7A):c.4043C>A(S1348*) is expected to be pathogenic in the context of ATP7A-related disorders. This variant is predicted to lead to an abnormal or absent protein product due to the creation of a premature termination codon in ATP7A, a gene where loss-of-function variants are known to be pathogenic. Please note: this variant was assessed in the context of healthy population screening.

NM_000052.7(ATP7A):c.4043C>A (p.Ser1348Ter)

Gene: ATP7A (ATPase copper transporting alpha; plus strand). Cytogenetic location: Xq21.1.
Variant type: single nucleotide variant.
Coding change: c.4043C>A on transcript NM_000052.7 (MANE Select); coding-DNA position 4043, C replaced by A.
Protein change: p.Ser1348Ter; replaces serine 1348 with a stop codon.
Molecular consequence: nonsense. On other transcripts: non-coding transcript variant (1).
Genome position (GRCh38, 1-based): chrX:78,043,354, C>A. VCF-style: chrX-78043354-C-A. GRCh37 (hg19) VCF-style: chrX-77298852-C-A.
Other names: c.3809C>A, p.Ser1270Ter (NM_001282224.2); short protein forms S1270*, S1348*.
Identifiers: ClinVar variation 1725565 (VCV001725565.3), dbSNP rs2522421015, ClinGen allele CA413605543.
Genomic context (GRCh38, chrX:78,043,354, plus strand): 5'-ATCACAAATATTTCTGTTCTTAGAATGATCTTCTGGATGTAGTGGCAAGTATTGACTTAT[C>A]AAGAAAGACAGTCAAGAGGATTCGGATAAATTTTGTCTTTGCTCTAATTTATAATCTGGT-3'